The following is an entry in ClinVar:

ClinVar aggregate classification (germline): Benign/Likely benign. Review status: criteria provided, multiple submitters, no conflicts (2 of 4 stars). 2 submissions from 2 submitters: Benign (1); Likely benign (1). Last evaluated 2019-09-16.

Conditions:
Peutz-Jeghers syndrome (PJS). Also called: POLYPOSIS, HAMARTOMATOUS INTESTINAL; POLYPS-AND-SPOTS SYNDROME; Peutz-Jeghers polyposis; Periorificial lentiginosis syndrome. Identifiers: Orphanet 2869, MedGen C0031269, MeSH D010580, MONDO:0008280, OMIM 175200.

Allele frequency attached by ClinVar (database versions not stated): gnomAD exomes 0.00160; 1000 Genomes Project 0.00899; 1000 Genomes Project 30x 0.00921; TOPMed 0.01039.
gnomAD v4.1: 1,488 of 249,094 alleles (0.6%); highest among the groups gnomAD compares: African/African-American, 3%; 23 homozygotes.

Submissions (2):

GeneDx
Classification: Likely benign. Last evaluated: 2019-09-16. Review status: criteria provided, single submitter. Criteria: GeneDx Variant Classification Process June 2021. Collection method: clinical testing. Allele origin: germline. Affected: yes.

Illumina Laboratory Services, Illumina
Classification: Benign for Peutz-Jeghers syndrome. Last evaluated: 2018-01-12. Review status: criteria provided, single submitter. Criteria: ICSL Variant Classification Criteria 13 December 2019. Collection method: clinical testing. Allele origin: germline.
Comment: This variant was observed in the ICSL laboratory as part of a predisposition screen in an ostensibly healthy population. It had not been previously curated by ICSL or reported in the Human Gene Mutation Database (HGMD: prior to June 1st, 2018), and was therefore a candidate for classification through an automated scoring system. Utilizing variant allele frequency, disease prevalence and penetrance estimates, and inheritance mode, an automated score was calculated to assess if this variant is too frequent to cause the disease. Based on the score and internal cut-off values, a variant classified as benign is not then subjected to further curation. The score for this variant resulted in a classification of benign for this disease.

NM_000455.5(STK11):c.-430C>T

Gene: STK11 (serine/threonine kinase 11; plus strand). Cytogenetic location: 19p13.3.
Variant type: single nucleotide variant.
Coding change: c.-430C>T on transcript NM_000455.5 (MANE Select); 430 bases upstream of the start codon, C replaced by T.
Molecular consequence: 5 prime UTR variant.
Genome position (GRCh38, 1-based): chr19:1,206,484, C>T. VCF-style: chr19-1206484-C-T. GRCh37 (hg19) VCF-style: chr19-1206483-C-T.
Identifiers: ClinVar variation 328215 (VCV000328215.8), dbSNP rs115594813, ClinGen allele CA10648292.